The following is an entry in ClinVar:

ClinVar aggregate classification (germline): Conflicting classifications of pathogenicity. Review status: criteria provided, conflicting classifications (1 of 4 stars). 4 submissions from 4 submitters: Uncertain significance (1); Likely benign (3). Last evaluated 2026-05-05.

Conditions:
Ullrich congenital muscular dystrophy 2 (UCMD2). Identifiers: Orphanet 75840, MedGen C4225314, MONDO:0014654, OMIM 616470.
Bethlem myopathy 2 (BTHLM2). Identifiers: Orphanet 536516, Orphanet 610, MedGen C4225313, MONDO:0034022, OMIM 616471.
COL12A1-related disorder. Also called: COL12A1-related condition.

Allele frequency attached by ClinVar (database versions not stated): TOPMed below 0.00001; gnomAD 0.00001 and 0.00002; gnomAD exomes 0.00002; ExAC 0.00003.
gnomAD v4.1: 36 of 1,612,740 alleles (0.0022%); highest among the groups gnomAD compares: Non-Finnish European, 0.00093%; no homozygotes.

Submissions (4):

PreventionGenetics, part of Exact Sciences
Classification: Likely benign for COL12A1-related condition. Last evaluated: 2026-05-05. Review status: criteria provided, single submitter. Criteria: ACMG Guidelines, 2015. Collection method: clinical testing. Allele origin: germline.
Comment: This variant is classified as likely benign based on ACMG/AMP sequence variant interpretation guidelines (Richards et al. 2015 PMID: 25741868, with internal and published modifications).

Labcorp Genetics (formerly Invitae), Labcorp
Classification: Likely benign for Bethlem myopathy 2; Ullrich congenital muscular dystrophy 2. Last evaluated: 2026-01-07. Review status: criteria provided, single submitter. Criteria: Invitae Variant Classification Sherloc (09022015). Collection method: clinical testing. Allele origin: germline.

CeGaT Center for Human Genetics Tuebingen
Classification: Uncertain significance. Last evaluated: 2025-08-01. Review status: criteria provided, single submitter. Criteria: CeGaT Center For Human Genetics Tuebingen Variant Classification Criteria Version 2. Collection method: clinical testing. Allele origin: germline. Affected: yes. Observed: 1 variant allele.
Comment: COL12A1: PM2, BP4

GeneDx
Classification: Likely benign. Last evaluated: 2019-01-08. Review status: criteria provided, single submitter. Criteria: GeneDx Variant Classification Process June 2021. Collection method: clinical testing. Allele origin: germline. Affected: yes.

NM_004370.6(COL12A1):c.8745G>A (p.Leu2915=)

Gene: COL12A1 (collagen type XII alpha 1 chain; minus strand). Cytogenetic location: 6q13.
Variant type: single nucleotide variant.
Coding change: c.8745G>A on transcript NM_004370.6 (MANE Select); coding-DNA position 8745, G replaced by A.
Protein change: p.Leu2915=; no amino-acid change (leucine 2915 retained).
Molecular consequence: synonymous variant.
Genome position (GRCh38, 1-based): chr6:75,091,330, C>T on the plus strand (G>A on the coding strand, the complement: COL12A1 is on the minus strand). VCF-style: chr6-75091330-C-T. GRCh37 (hg19) VCF-style: chr6-75801046-C-T.
Other names: c.5253G>A, p.Leu1751= (NM_080645.3).
Identifiers: ClinVar variation 1196954 (VCV001196954.16), dbSNP rs749317169, ClinGen allele CA3892132.